The following is an entry in ClinVar:

ClinVar aggregate classification (germline): Benign (1 of 4 stars; one submission).

Allele frequency attached by ClinVar (database versions not stated): 1000 Genomes Project 0.13119; 1000 Genomes Project 30x 0.13460; gnomAD 0.14121 and 0.14675; TOPMed 0.14677.
gnomAD v4.1: 21,383 of 152,198 alleles (14%); highest among the groups gnomAD compares: African/African-American, 27%; 2,080 homozygotes.

Submission:

GeneDx
Classification: Benign. Last evaluated: 2018-06-14. Review status: criteria provided, single submitter. Criteria: GeneDx Variant Classification (06012015). Collection method: clinical testing. Allele origin: germline. Affected: yes.
Comment: This variant is considered likely benign or benign based on one or more of the following criteria: it is a conservative change, it occurs at a poorly conserved position in the protein, it is predicted to be benign by multiple in silico algorithms, and/or has population frequency not consistent with disease.

NM_000093.5(COL5A1):c.2899-273C>T

Gene: COL5A1 (collagen type V alpha 1 chain; plus strand). Cytogenetic location: 9q34.3.
Variant type: single nucleotide variant.
Coding change: c.2899-273C>T on transcript NM_000093.5 (MANE Select); 273 bases into the intron before coding-DNA position 2899, C replaced by T.
Molecular consequence: intron variant.
Genome position (GRCh38, 1-based): chr9:134,798,135, C>T. VCF-style: chr9-134798135-C-T. GRCh37 (hg19) VCF-style: chr9-137689981-C-T.
Other names: c.2899-273C>T (NM_001278074.1).
Identifiers: ClinVar variation 673590 (VCV000673590.1), dbSNP rs62571397, ClinGen allele CA201109620.